The following is an entry in ClinVar:

NM_004371.4(COPA):c.3484A>G (p.Met1162Val)

Gene: COPA (coat protein complex I subunit alpha; minus strand). Cytogenetic location: 1q23.2.
Variant type: single nucleotide variant.
Coding change: c.3484A>G on transcript NM_004371.4 (MANE Select); coding-DNA position 3484, A replaced by G.
Protein change: p.Met1162Val; replaces methionine 1162 with valine.
Molecular consequence: missense variant.
Genome position (GRCh38, 1-based): chr1:160,290,623, T>C on the plus strand (A>G on the coding strand, the complement: COPA is on the minus strand). VCF-style: chr1-160290623-T-C. GRCh37 (hg19) VCF-style: chr1-160260413-T-C.
Other names: c.3511A>G, p.Met1171Val (NM_001098398.2); short protein forms M1162V, M1171V.
Identifiers: ClinVar variation 1415497 (VCV001415497.8), dbSNP rs1243134474, ClinGen allele CA343269222.

ClinVar aggregate classification (germline): Uncertain significance (1 of 4 stars; one submission).

Conditions:
Autoimmune interstitial lung disease-arthritis syndrome. Also called: Autoinflammation and autoimmunity, systemic, with immune dysregulation. Identifiers: Orphanet 444092, MedGen C5975714, MONDO:0014629.

Allele frequency attached by ClinVar (database versions not stated): gnomAD 0.00001; gnomAD exomes 0.00001; TOPMed 0.00001.

Submission:

Labcorp Genetics (formerly Invitae), Labcorp
Classification: Uncertain significance for Autoimmune interstitial lung disease-arthritis syndrome. Last evaluated: 2025-08-29. Review status: criteria provided, single submitter. Criteria: Invitae Variant Classification Sherloc (09022015). Collection method: clinical testing. Allele origin: germline.
Comment: This sequence change replaces methionine, which is neutral and non-polar, with valine, which is neutral and non-polar, at codon 1162 of the COPA protein (p.Met1162Val). This variant is not present in population databases (gnomAD no frequency). This variant has not been reported in the literature in individuals affected with COPA-related conditions. ClinVar contains an entry for this variant (Variation ID: 1415497). Invitae Evidence Modeling of protein sequence and biophysical properties (such as structural, functional, and spatial information, amino acid conservation, physicochemical variation, residue mobility, and thermodynamic stability) indicates that this missense variant is not expected to disrupt COPA protein function with a negative predictive value of 80%. In summary, the available evidence is currently insufficient to determine the role of this variant in disease. Therefore, it has been classified as a Variant of Uncertain Significance.